The following is an entry in ClinVar:

ClinVar aggregate classification (germline): Uncertain significance. Review status: criteria provided, multiple submitters, no conflicts (2 of 4 stars). 2 submissions from 2 submitters: Uncertain significance (2). Last evaluated 2025-11-23.

Conditions:
Cardiomyopathy (CMYO). Also called: Cardiomyopathies. Identifiers: Orphanet 167848, MedGen C0878544, MONDO:0004994, HP:0001638. Inheritance: Various modes of inheritance.

Allele frequency attached by ClinVar (database versions not stated): gnomAD 0.00001; gnomAD exomes 0.00002; TOPMed 0.00002; ExAC 0.00003.
gnomAD v4.1: 32 of 1,613,892 alleles (0.002%); highest among the groups gnomAD compares: Middle Eastern, 0.033%; no homozygotes.

Submissions (2):

Labcorp Genetics (formerly Invitae), Labcorp
Classification: Uncertain significance. Last evaluated: 2025-11-23. Review status: criteria provided, single submitter. Criteria: Invitae Variant Classification Sherloc (09022015). Collection method: clinical testing. Allele origin: germline.
Comment: This sequence change replaces proline, which is neutral and non-polar, with leucine, which is neutral and non-polar, at codon 895 of the DCHS1 protein (p.Pro895Leu). This variant is present in population databases (rs770204157, gnomAD 0.007%). This variant has not been reported in the literature in individuals affected with DCHS1-related conditions. ClinVar contains an entry for this variant (Variation ID: 2671827). Invitae Evidence Modeling of protein sequence and biophysical properties (such as structural, functional, and spatial information, amino acid conservation, physicochemical variation, residue mobility, and thermodynamic stability) indicates that this missense variant is not expected to disrupt DCHS1 protein function with a negative predictive value of 80%. In summary, the available evidence is currently insufficient to determine the role of this variant in disease. Therefore, it has been classified as a Variant of Uncertain Significance.

Petrovsky National Research Centre of Surgery, The Federal Agency for Scientific Organizations
Classification: Uncertain significance for Cardiomyopathy. Last evaluated: 2023-04-20. Review status: criteria provided, single submitter. Criteria: ACMG Guidelines, 2015. Collection method: clinical testing. Allele origin: germline. Affected: yes.
Comment: The NM_003737:c.2684C>T variant is in The Genome Aggregation Database (gnomAD) v2.1.1 with total MAF 0.00002789 (Date of access 20-04-2023). This variant has not been reported in any study to our knowledge. Most in silico predictors show benign result of the protein change. In accordance with ACMG(2015) criteria this variant is classified as Variant of Uncertain Significance (VUS) with following criteria selected: PM2, BP4.

NM_003737.4(DCHS1):c.2684C>T (p.Pro895Leu)

Gene: DCHS1 (dachsous cadherin-related 1; minus strand). Cytogenetic location: 11p15.4.
Variant type: single nucleotide variant.
Coding change: c.2684C>T on transcript NM_003737.4 (MANE Select); coding-DNA position 2684, C replaced by T.
Protein change: p.Pro895Leu; replaces proline 895 with leucine.
Molecular consequence: missense variant.
Genome position (GRCh38, 1-based): chr11:6,632,828, G>A on the plus strand (C>T on the coding strand, the complement: DCHS1 is on the minus strand). VCF-style: chr11-6632828-G-A. GRCh37 (hg19) VCF-style: chr11-6654059-G-A.
Other names: p.Pro895Leu; short protein forms P895L.
Identifiers: ClinVar variation 2671827 (VCV002671827.2), dbSNP rs770204157, ClinGen allele CA5860680.